The following is an entry in ClinVar:

NM_000535.7(PMS2):c.235A>G (p.Asn79Asp)

Gene: PMS2 (PMS1 homolog 2, mismatch repair system component; minus strand). Cytogenetic location: 7p22.1.
Variant type: single nucleotide variant.
Coding change: c.235A>G on transcript NM_000535.7 (MANE Select); coding-DNA position 235, A replaced by G.
Protein change: p.Asn79Asp; replaces asparagine 79 with aspartic acid.
Molecular consequence: missense variant. On other transcripts: 5 prime UTR variant (9), non-coding transcript variant (1).
Genome position (GRCh38, 1-based): chr7:6,003,987, T>C on the plus strand (A>G on the coding strand, the complement: PMS2 is on the minus strand). VCF-style: chr7-6003987-T-C. GRCh37 (hg19) VCF-style: chr7-6043618-T-C.
Other names: c.-171A>G (NM_001018040.1, NM_001322003.2, NM_001322004.2 and 14 more transcripts); c.235A>G, p.Asn79Asp (NM_001322006.2, NM_001322014.2, NM_001406868.1 and 10 more transcripts); c.20A>G, p.Lys7Arg (NM_001322007.2, NM_001322008.2, NM_001406876.1 and 4 more transcripts); c.-650A>G (NM_001322011.2, NM_001322012.2); c.-250A>G (NM_001322015.2, NM_001406875.1, NM_001406877.1 and 3 more transcripts); c.421A>G, p.Asn141Asp (NM_001406866.1); c.-197A>G (NM_001406880.1); c.-147A>G (NM_001406881.1, NM_001406900.1); and 2 more; short protein forms K7R, N141D, N79D.
Identifiers: ClinVar variation 1790121 (VCV001790121.3), dbSNP rs2536512602, ClinGen allele CA366744780.
Genomic context (GRCh38, chr7:6,003,987, plus strand): 5'-TGTGACCCAATTATTTTATAATAGGATTAGAAAAAGTCAACTTACTTAAGCCTTCGAAGT[T>C]TTCTTCTTCTACCCCACATCCATTGTCTGAAACTTCAATAAGATCCACTCCATAGTCCTT-3'
Protein context (NP_000526.2, residues 69-89): SDNGCGVEEE[Asn79Asp]FEGLTLKHHT

ClinVar aggregate classification (germline): Uncertain significance (1 of 4 stars; one submission).

Conditions:
Hereditary cancer-predisposing syndrome. Also called: Hereditary Cancer Syndrome; Hereditary neoplastic syndrome; Tumor predisposition; Neoplastic Syndromes, Hereditary. Identifiers: Orphanet 140162, MedGen C0027672, MeSH D009386, MONDO:0015356.

Submission:

Ambry Genetics
Classification: Uncertain significance for Hereditary cancer-predisposing syndrome. Last evaluated: 2025-05-30. Review status: criteria provided, single submitter. Criteria: Ambry Variant Classification Scheme 2023. Collection method: clinical testing. Allele origin: germline.
Comment: The p.N79D variant (also known as c.235A>G), located in coding exon 3 of the PMS2 gene, results from an A to G substitution at nucleotide position 235. The asparagine at codon 79 is replaced by aspartic acid, an amino acid with highly similar properties. This amino acid position is highly conserved in available vertebrate species. In addition, the in silico prediction for this alteration is inconclusive. Based on the available evidence, the clinical significance of this variant remains unclear.